The following is an entry in ClinVar:

NM_000059.4(BRCA2):c.808T>A (p.Ser270Thr)

Gene: BRCA2 (BRCA2 DNA repair associated; plus strand). Cytogenetic location: 13q13.1.
Variant type: single nucleotide variant.
Coding change: c.808T>A on transcript NM_000059.4 (MANE Select); coding-DNA position 808, T replaced by A.
Protein change: p.Ser270Thr; replaces serine 270 with threonine.
Molecular consequence: missense variant.
Genome position (GRCh38, 1-based): chr13:32,332,286, T>A. VCF-style: chr13-32332286-T-A. GRCh37 (hg19) VCF-style: chr13-32906423-T-A.
Other names: c.808T>A (NM_000059.3); short protein forms S270T.
Identifiers: ClinVar variation 1387297 (VCV001387297.10), dbSNP rs1566222098, ClinGen allele CA387760383.

ClinVar aggregate classification (germline): Conflicting classifications of pathogenicity. Review status: criteria provided, conflicting classifications (1 of 4 stars). 3 submissions from 3 submitters: Uncertain significance (2); Likely benign (1). Last evaluated 2026-05-17.

Conditions:
Hereditary cancer-predisposing syndrome. Also called: Neoplastic Syndromes, Hereditary; Tumor predisposition; Hereditary Cancer Syndrome; Hereditary neoplastic syndrome. Identifiers: Orphanet 140162, MedGen C0027672, MeSH D009386, MONDO:0015356.
Hereditary breast ovarian cancer syndrome. Also called: Hereditary breast and ovarian cancer; Hereditary breast and ovarian cancer syndrome; Hereditary breast and ovarian cancer syndrome (HBOC); BRCA1- and BRCA2-Associated Hereditary Breast and Ovarian Cancer; Breast and ovarian cancer; Hereditary breast and/or ovarian cancer syndrome. Identifiers: Orphanet 145, MedGen C0677776, MeSH D061325, MONDO:0003582. Disease mechanism: loss of function.

Submissions (3):

Ambry Genetics
Classification: Uncertain significance for Hereditary cancer-predisposing syndrome. Last evaluated: 2026-05-17. Review status: criteria provided, single submitter. Criteria: Ambry Variant Classification Scheme 2023. Collection method: clinical testing. Allele origin: germline.
Comment: The p.S270T variant (also known as c.808T>A), located in coding exon 9 of the BRCA2 gene, results from a T to A substitution at nucleotide position 808. The serine at codon 270 is replaced by threonine, an amino acid with similar properties. This amino acid position is conserved. In addition, this alteration is predicted to be tolerated by in silico analysis. Based on the available evidence, the clinical significance of this variant remains unclear.

University of Washington Department of Laboratory Medicine, University of Washington
Classification: Likely benign for Hereditary cancer-predisposing syndrome. Last evaluated: 2023-03-23. Review status: criteria provided, single submitter. Criteria: Dines et al. (Genet Med. 2020). Collection method: curation. Allele origin: germline.
Comment: Missense variant in a coldspot region where missense variants are very unlikely to be pathogenic (PMID:31911673).

BRCA2 exon 10 coldspot. Reclassification based on statistical prior probability.

Labcorp Genetics (formerly Invitae), Labcorp
Classification: Uncertain significance for Hereditary breast ovarian cancer syndrome. Last evaluated: 2021-06-07. Review status: criteria provided, single submitter. Criteria: Invitae Variant Classification Sherloc (09022015). Collection method: clinical testing. Allele origin: germline.
Comment: In summary, the available evidence is currently insufficient to determine the role of this variant in disease. Therefore, it has been classified as a Variant of Uncertain Significance. Advanced modeling of protein sequence and biophysical properties (such as structural, functional, and spatial information, amino acid conservation, physicochemical variation, residue mobility, and thermodynamic stability) performed at Invitae indicates that this missense variant is not expected to disrupt BRCA2 protein function. This variant has not been reported in the literature in individuals with BRCA2-related conditions. This variant is not present in population databases (ExAC no frequency). This sequence change replaces serine with threonine at codon 270 of the BRCA2 protein (p.Ser270Thr). The serine residue is weakly conserved and there is a small physicochemical difference between serine and threonine.